The following is an entry in ClinVar:

ClinVar aggregate classification (germline): Uncertain significance (1 of 4 stars; one submission).

Allele frequency attached by ClinVar (database versions not stated): gnomAD exomes below 0.00001; TOPMed below 0.00001; gnomAD 0.00001.

Submission:

Labcorp Genetics (formerly Invitae), Labcorp
Classification: Uncertain significance. Last evaluated: 2024-01-15. Review status: criteria provided, single submitter. Criteria: Invitae Variant Classification Sherloc (09022015). Collection method: clinical testing. Allele origin: germline.
Comment: This sequence change falls in intron 13 of the PTPN23 gene. It does not directly change the encoded amino acid sequence of the PTPN23 protein. It affects a nucleotide within the consensus splice site. This variant is present in population databases (no rsID available, gnomAD 0.007%). This variant has not been reported in the literature in individuals affected with PTPN23-related conditions. ClinVar contains an entry for this variant (Variation ID: 1972864). Variants that disrupt the consensus splice site are a relatively common cause of aberrant splicing (PMID: 17576681, 9536098). Algorithms developed to predict the effect of sequence changes on RNA splicing suggest that this variant may disrupt the consensus splice site. In summary, the available evidence is currently insufficient to determine the role of this variant in disease. Therefore, it has been classified as a Variant of Uncertain Significance.

Literature cited by the submitters: PubMed 17576681; PubMed 9536098.

NM_015466.4(PTPN23):c.1118+5G>A

Gene: PTPN23 (protein tyrosine phosphatase non-receptor type 23; plus strand). Cytogenetic location: 3p21.31.
Variant type: single nucleotide variant.
Coding change: c.1118+5G>A on transcript NM_015466.4 (MANE Select); 5 bases into the intron after coding-DNA position 1118, G replaced by A.
Molecular consequence: intron variant.
Genome position (GRCh38, 1-based): chr3:47,407,816, G>A. VCF-style: chr3-47407816-G-A. GRCh37 (hg19) VCF-style: chr3-47449306-G-A.
Other names: c.740+5G>A (NM_001304482.2).
Identifiers: ClinVar variation 1972864 (VCV001972864.5), dbSNP rs1367537469, ClinGen allele CA543043069.